The following is an entry in ClinVar:

ClinVar aggregate classification (germline): Pathogenic (1 of 4 stars; one submission).

Conditions:
Neurofibromatosis, type 1 (NF1). Also called: Neurofibromatosis, type I; VON RECKLINGHAUSEN DISEASE; NEUROFIBROMATOSIS, TYPE I, SOMATIC; Peripheral type neurofibromatosis. Identifiers: Orphanet 636, MedGen C0027831, MONDO:0018975, OMIM 162200. Disease mechanism: loss of function.

Submission:

Labcorp Genetics (formerly Invitae), Labcorp
Classification: Pathogenic for Neurofibromatosis, type 1. Last evaluated: 2025-06-02. Review status: criteria provided, single submitter. Criteria: Invitae Variant Classification Sherloc (09022015). Collection method: clinical testing. Allele origin: germline.
Comment: This sequence change replaces aspartic acid, which is acidic and polar, with asparagine, which is neutral and polar, at codon 338 of the NF1 protein (p.Asp338Asn). This variant is not present in population databases (gnomAD no frequency). This missense change has been observed in individual(s) with neurofibromatosis type 1 (PMID: 21278392). ClinVar contains an entry for this variant (Variation ID: 2152278). Invitae Evidence Modeling of protein sequence and biophysical properties (such as structural, functional, and spatial information, amino acid conservation, physicochemical variation, residue mobility, and thermodynamic stability) indicates that this missense variant is expected to disrupt NF1 protein function with a positive predictive value of 95%. This variant disrupts the p.Asp338 amino acid residue in NF1. Other variant(s) that disrupt this residue have been determined to be pathogenic (PMID: 9298829, 30014477, 31730495; internal data). This suggests that this residue is clinically significant, and that variants that disrupt this residue are likely to be disease-causing. For these reasons, this variant has been classified as Pathogenic.

Literature cited by the submitters: PubMed 21278392; PubMed 9298829; PubMed 30014477; PubMed 31730495.

NM_001042492.3(NF1):c.1012G>A (p.Asp338Asn)

Gene: NF1 (neurofibromin 1; plus strand). Cytogenetic location: 17q11.2.
Variant type: single nucleotide variant.
Coding change: c.1012G>A on transcript NM_001042492.3 (MANE Select); coding-DNA position 1012, G replaced by A.
Protein change: p.Asp338Asn; replaces aspartic acid 338 with asparagine.
Molecular consequence: missense variant.
Genome position (GRCh38, 1-based): chr17:31,200,545, G>A. VCF-style: chr17-31200545-G-A. GRCh37 (hg19) VCF-style: chr17-29527563-G-A.
Other names: c.1012G>A, p.Asp338Asn (NM_000267.4, NM_001128147.3); short protein forms D338N.
Identifiers: ClinVar variation 2152278 (VCV002152278.4), dbSNP rs2143873866, ClinGen allele CA398996282.